The following is an entry in ClinVar:

ClinVar aggregate classification (germline): Benign/Likely benign. Review status: criteria provided, multiple submitters, no conflicts (2 of 4 stars). 11 submissions from 11 submitters: Benign (2); Likely benign (6). 3 of the submissions do not count toward it. Last evaluated 2026-03-20.

Conditions:
FLNA-related disorder.
Familial thoracic aortic aneurysm and aortic dissection (TAAD). Also called: Thoracic aortic aneurysms and dissections. Identifiers: Orphanet 91387, MedGen C4707243, MONDO:0019625.
Frontometaphyseal dysplasia (FMD1). Identifiers: Orphanet 1826, MedGen C0265293, MONDO:0015942.
Melnick-Needles syndrome (MNS). Also called: Melnick-Needles Syndrome (FLNA-MNS); OSTEODYSPLASTY OF MELNICK AND NEEDLES; MELNICK-NEEDLES OSTEODYSPLASTY. Identifiers: Orphanet 2484, MedGen C0025237, MONDO:0010650, OMIM 309350.
Oto-palato-digital syndrome, type II (OPD2). Also called: Otopalatodigital Syndrome Type 2 (FLNA-OPD2); Otopalatodigital Syndrome, Type II; OPD II SYNDROME; FACIOPALATOOSSEOUS SYNDROME. Identifiers: Orphanet 669, Orphanet 90652, MedGen C1844696, MONDO:0010571, OMIM 304120.
Heterotopia, periventricular, X-linked dominant (PVNH1). Also called: PERIVENTRICULAR NODULAR HETEROTOPIA 4; HETEROTOPIA, PERIVENTRICULAR, 1; PERIVENTRICULAR NODULAR HETEROTOPIA 1; X-linked periventricular heterotopia. Identifiers: Orphanet 2149, Orphanet 82004, MedGen C1848213, MONDO:0010233, OMIM 300049.

Allele frequency attached by ClinVar (database versions not stated): ESP Exome Variant Server 0.00019; gnomAD exomes 0.00021 and 0.00066; TOPMed 0.00025; 1000 Genomes Project 0.00026; gnomAD 0.00029 and 0.00031; 1000 Genomes Project 30x 0.00042; ExAC 0.00016.
gnomAD v4.1: 748 of 1,211,013 alleles (0.062%); highest among the groups gnomAD compares: Non-Finnish European, 0.081%; no homozygotes.

Submissions (11):

Women's Health and Genetics/Laboratory Corporation of America, LabCorp
Classification: Benign. Last evaluated: 2026-03-20. Review status: criteria provided, single submitter. Criteria: LabCorp Variant Classification Summary - May 2015. Collection method: clinical testing. Allele origin: germline.

Labcorp Genetics (formerly Invitae), Labcorp
Classification: Benign for Oto-palato-digital syndrome, type II; Heterotopia, periventricular, X-linked dominant; Frontometaphyseal dysplasia; Melnick-Needles syndrome. Last evaluated: 2026-01-16. Review status: criteria provided, single submitter. Criteria: Invitae Variant Classification Sherloc (09022015). Collection method: clinical testing. Allele origin: germline.

Mayo Clinic Laboratories, Mayo Clinic
Classification: Likely benign. Last evaluated: 2025-04-15. Review status: criteria provided, single submitter. Criteria: ACMG Guidelines, 2015. Collection method: clinical testing. Allele origin: germline. Observed: 1 variant allele.
Comment: BS2, BP4_moderate

Blueprint Genetics
Classification: Likely benign. Last evaluated: 2024-09-05. Review status: criteria provided, single submitter. Criteria: ACMG Guidelines, 2015. Collection method: clinical testing. Allele origin: germline.

ARUP Laboratories, Molecular Genetics and Genomics, ARUP Laboratories
Classification: Likely benign. Last evaluated: 2023-12-04. Review status: criteria provided, single submitter. Criteria: ARUP Molecular Germline Variant Investigation Process 2024. Collection method: clinical testing. Allele origin: germline.

CeGaT Center for Human Genetics Tuebingen
Classification: Likely benign. Last evaluated: 2022-09-01. Review status: criteria provided, single submitter. Criteria: CeGaT Center For Human Genetics Tuebingen Variant Classification Criteria Version 2. Collection method: clinical testing. Allele origin: germline. Affected: yes. Observed: 1 variant allele.
Comment: FLNA: BP4, BP7

GeneDx
Classification: Likely benign. Last evaluated: 2020-09-17. Review status: criteria provided, single submitter. Criteria: GeneDx Variant Classification Process June 2021. Collection method: clinical testing. Allele origin: germline. Affected: yes.

Ambry Genetics
Classification: Likely benign for Familial thoracic aortic aneurysm and aortic dissection. Last evaluated: 2015-06-26. Review status: criteria provided, single submitter. Criteria: Ambry Variant Classification Scheme 2023. Collection method: clinical testing. Allele origin: germline.

PreventionGenetics, part of Exact Sciences
Classification: Likely benign for FLNA-related condition. Last evaluated: 2019-06-03. Review status: no assertion criteria provided. Collection method: clinical testing. Allele origin: germline. Not counted in ClinVar's aggregate classification.
Comment: This variant is classified as likely benign based on ACMG/AMP sequence variant interpretation guidelines (Richards et al. 2015 PMID: 25741868, with internal and published modifications).

Clinical Genetics DNA and cytogenetics Diagnostics Lab, Erasmus MC, Erasmus Medical Center
Classification: Likely benign. Review status: no assertion criteria provided. Collection method: clinical testing. Allele origin: germline. Affected: yes. Study: VKGL Data-share Consensus. Not counted in ClinVar's aggregate classification.

Genome Diagnostics Laboratory, University Medical Center Utrecht
Classification: Likely benign. Review status: no assertion criteria provided. Collection method: clinical testing. Allele origin: germline. Affected: yes. Study: VKGL Data-share Consensus. Not counted in ClinVar's aggregate classification.

NM_001110556.2(FLNA):c.5193G>A (p.Val1731=)

Gene: FLNA (filamin A; minus strand). Cytogenetic location: Xq28.
Variant type: single nucleotide variant.
Coding change: c.5193G>A on transcript NM_001110556.2 (MANE Select); coding-DNA position 5193, G replaced by A.
Protein change: p.Val1731=; no amino-acid change (valine 1731 retained).
Molecular consequence: synonymous variant.
Genome position (GRCh38, 1-based): chrX:154,354,849, C>T on the plus strand (G>A on the coding strand, the complement: FLNA is on the minus strand). VCF-style: chrX-154354849-C-T. GRCh37 (hg19) VCF-style: chrX-153583217-C-T.
Other names: p.Val1723=; c.5169G>A, p.Val1723= (NM_001456.4); c.5193G>A (NM_001110556.1).
Identifiers: ClinVar variation 385515 (VCV000385515.54), dbSNP rs201458268, ClinGen allele CA10560375.